The following is an entry in ClinVar:

NM_006389.5(HYOU1):c.2510+10C>T

Gene: HYOU1 (hypoxia up-regulated 1; minus strand). Cytogenetic location: 11q23.3.
Variant type: single nucleotide variant.
Coding change: c.2510+10C>T on transcript NM_006389.5 (MANE Select); 10 bases into the intron after coding-DNA position 2510, C replaced by T.
Molecular consequence: intron variant.
Genome position (GRCh38, 1-based): chr11:119,047,937, G>A on the plus strand (C>T on the coding strand, the complement: HYOU1 is on the minus strand). VCF-style: chr11-119047937-G-A. GRCh37 (hg19) VCF-style: chr11-118918649-G-A.
Other names: c.2510+10C>T (NM_006389.4, NM_001130991.3).
Identifiers: ClinVar variation 1167108 (VCV001167108.12), dbSNP rs2298481, ClinGen allele CA229618075.

ClinVar aggregate classification (germline): Benign/Likely benign. Review status: criteria provided, multiple submitters, no conflicts (2 of 4 stars). 3 submissions from 3 submitters: Benign (1); Likely benign (1). 1 of the submissions does not count toward it. Last evaluated 2026-01-02.

Conditions:
HYOU1-related disorder. Also called: HYOU1-related condition.

Allele frequency attached by ClinVar (database versions not stated): gnomAD 0.00036 and 0.00074; TOPMed 0.00068; 1000 Genomes Project 30x 0.00297.
gnomAD v4.1: 1,456 of 1,614,172 alleles (0.09%); highest among the groups gnomAD compares: East Asian, 1.8%; 15 homozygotes.

Submissions (3):

Labcorp Genetics (formerly Invitae), Labcorp
Classification: Benign. Last evaluated: 2026-01-02. Review status: criteria provided, single submitter. Criteria: Invitae Variant Classification Sherloc (09022015). Collection method: clinical testing. Allele origin: germline.

Blueprint Genetics
Classification: Likely benign. Last evaluated: 2024-10-09. Review status: criteria provided, single submitter. Criteria: ACMG Guidelines, 2015. Collection method: clinical testing. Allele origin: germline.

PreventionGenetics, part of Exact Sciences
Classification: Benign for HYOU1-related condition. Last evaluated: 2019-08-09. Review status: no assertion criteria provided. Collection method: clinical testing. Allele origin: germline. Not counted in ClinVar's aggregate classification.
Comment: This variant is classified as benign based on ACMG/AMP sequence variant interpretation guidelines (Richards et al. 2015 PMID: 25741868, with internal and published modifications).